The following is an entry in ClinVar:

ClinVar aggregate classification (germline): Uncertain significance (1 of 4 stars; one submission).

Conditions:
Inflammatory skin and bowel disease, neonatal, 1. Identifiers: Orphanet 294023, MedGen C3280501, MONDO:0013693, OMIM 614328.

Allele frequency attached by ClinVar (database versions not stated): gnomAD exomes below 0.00001; ExAC 0.00001; ESP Exome Variant Server 0.00008.

Submission:

Labcorp Genetics (formerly Invitae), Labcorp
Classification: Uncertain significance for Inflammatory skin and bowel disease, neonatal, 1. Last evaluated: 2020-12-13. Review status: criteria provided, single submitter. Criteria: Invitae Variant Classification Sherloc (09022015). Collection method: clinical testing. Allele origin: germline.
Comment: This sequence change replaces methionine with isoleucine at codon 316 of the ADAM17 protein (p.Met316Ile). The methionine residue is moderately conserved and there is a small physicochemical difference between methionine and isoleucine. This variant is present in population databases (rs367951580, ExAC 0.001%). This variant has not been reported in the literature in individuals with ADAM17-related conditions. Algorithms developed to predict the effect of missense changes on protein structure and function are either unavailable or do not agree on the potential impact of this missense change (SIFT: "Not Available"; PolyPhen-2: "Benign"; Align-GVGD: "Not Available"). In summary, the available evidence is currently insufficient to determine the role of this variant in disease. Therefore, it has been classified as a Variant of Uncertain Significance.

NM_003183.6(ADAM17):c.948G>A (p.Met316Ile)

Gene: ADAM17 (ADAM metallopeptidase domain 17; minus strand). Cytogenetic location: 2p25.1.
Variant type: single nucleotide variant.
Coding change: c.948G>A on transcript NM_003183.6 (MANE Select); coding-DNA position 948, G replaced by A.
Protein change: p.Met316Ile; replaces methionine 316 with isoleucine.
Molecular consequence: missense variant.
Genome position (GRCh38, 1-based): chr2:9,521,212, C>T on the plus strand (G>A on the coding strand, the complement: ADAM17 is on the minus strand). VCF-style: chr2-9521212-C-T. GRCh37 (hg19) VCF-style: chr2-9661341-C-T.
Other names: c.288G>A, p.Met96Ile (NM_001382777.1); c.51G>A, p.Met17Ile (NM_001382778.1); short protein forms M17I, M316I, M96I.
Identifiers: ClinVar variation 1468269 (VCV001468269.6), dbSNP rs367951580, ClinGen allele CA1523626.